The following is an entry in ClinVar:

ClinVar aggregate classification (germline): Uncertain significance. Review status: criteria provided, multiple submitters, no conflicts (2 of 4 stars). 2 submissions from 2 submitters: Uncertain significance (2). Last evaluated 2025-08-25.

Conditions:
Cardiovascular phenotype. Identifiers: MedGen CN230736.
Hereditary cancer-predisposing syndrome. Also called: Tumor predisposition; Hereditary Cancer Syndrome; Neoplastic Syndromes, Hereditary; Hereditary neoplastic syndrome. Identifiers: Orphanet 140162, MedGen C0027672, MeSH D009386, MONDO:0015356.

Submissions (2):

Labcorp Genetics (formerly Invitae), Labcorp
Classification: Uncertain significance. Last evaluated: 2025-08-25. Review status: criteria provided, single submitter. Criteria: Invitae Variant Classification Sherloc (09022015). Collection method: clinical testing. Allele origin: germline.
Comment: This sequence change replaces leucine, which is neutral and non-polar, with phenylalanine, which is neutral and non-polar, at codon 92 of the LZTR1 protein (p.Leu92Phe). This variant is not present in population databases (gnomAD no frequency). This variant has not been reported in the literature in individuals affected with LZTR1-related conditions. ClinVar contains an entry for this variant (Variation ID: 1795528). Invitae Evidence Modeling of protein sequence and biophysical properties (such as structural, functional, and spatial information, amino acid conservation, physicochemical variation, residue mobility, and thermodynamic stability) indicates that this missense variant is not expected to disrupt LZTR1 protein function with a negative predictive value of 80%. In summary, the available evidence is currently insufficient to determine the role of this variant in disease. Therefore, it has been classified as a Variant of Uncertain Significance.

Ambry Genetics
Classification: Uncertain significance for Cardiovascular phenotype; Hereditary cancer-predisposing syndrome. Last evaluated: 2022-02-01. Review status: criteria provided, single submitter. Criteria: Ambry Variant Classification Scheme 2023. Collection method: clinical testing. Allele origin: germline.
Comment: The p.L92F variant (also known as c.274C>T), located in coding exon 3 of the LZTR1 gene, results from a C to T substitution at nucleotide position 274. The leucine at codon 92 is replaced by phenylalanine, an amino acid with highly similar properties. This amino acid position is conserved. In addition, the in silico prediction for this alteration is inconclusive. Since supporting evidence is limited at this time, the clinical significance of this alteration remains unclear.

NM_006767.4(LZTR1):c.274C>T (p.Leu92Phe)

Gene: LZTR1 (leucine zipper like post translational regulator 1; plus strand). Cytogenetic location: 22q11.21.
Variant type: single nucleotide variant.
Coding change: c.274C>T on transcript NM_006767.4 (MANE Select); coding-DNA position 274, C replaced by T.
Protein change: p.Leu92Phe; replaces leucine 92 with phenylalanine.
Molecular consequence: missense variant.
Genome position (GRCh38, 1-based): chr22:20,985,851, C>T. VCF-style: chr22-20985851-C-T. GRCh37 (hg19) VCF-style: chr22-21340140-C-T.
Other names: short protein forms L92F.
Identifiers: ClinVar variation 1795528 (VCV001795528.7), dbSNP rs2518610605, ClinGen allele CA410778802.